The following is an entry in ClinVar:

NM_006662.3(SRCAP):c.1009C>A (p.Arg337Ser)

Gene: SRCAP (Snf2 related CREBBP activator protein; plus strand). Cytogenetic location: 16p11.2.
Variant type: single nucleotide variant.
Coding change: c.1009C>A on transcript NM_006662.3 (MANE Select); coding-DNA position 1009, C replaced by A.
Protein change: p.Arg337Ser; replaces arginine 337 with serine.
Molecular consequence: missense variant.
Genome position (GRCh38, 1-based): chr16:30,710,003, C>A. VCF-style: chr16-30710003-C-A. GRCh37 (hg19) VCF-style: chr16-30721324-C-A.
Other names: short protein forms R337S.
Identifiers: ClinVar variation 3364209 (VCV003364209.1).

ClinVar aggregate classification (germline): Uncertain significance (1 of 4 stars; one submission).

Submission:

GeneDx
Classification: Uncertain significance. Last evaluated: 2023-11-28. Review status: criteria provided, single submitter. Criteria: GeneDx Variant Classification Process June 2021. Collection method: clinical testing. Allele origin: germline. Affected: yes.
Comment: Not observed at significant frequency in large population cohorts (gnomAD); In silico analysis supports that this missense variant does not alter protein structure/function; Has not been previously published as pathogenic or benign to our knowledge